The following is an entry in ClinVar:

ClinVar aggregate classification (germline): Likely benign (0 of 4 stars; one submission).

Conditions:
GAB1-related disorder. Also called: GAB1-related condition.

Allele frequency attached by ClinVar (database versions not stated): gnomAD exomes 0.00001; gnomAD 0.00002; TOPMed 0.00002.
gnomAD v4.1: 14 of 1,614,086 alleles (0.00087%); highest among the groups gnomAD compares: Non-Finnish European, 0.0011%; no homozygotes.

Submission:

PreventionGenetics, part of Exact Sciences
Classification: Likely benign for GAB1-related condition. Last evaluated: 2021-03-08. Review status: no assertion criteria provided. Collection method: clinical testing. Allele origin: germline.
Comment: This variant is classified as likely benign based on ACMG/AMP sequence variant interpretation guidelines (Richards et al. 2015 PMID: 25741868, with internal and published modifications).

NM_002039.4(GAB1):c.1392A>G (p.Thr464=)

Gene: GAB1 (GRB2 associated binding protein 1; plus strand). Cytogenetic location: 4q31.21.
Variant type: single nucleotide variant.
Coding change: c.1392A>G on transcript NM_002039.4 (MANE Select); coding-DNA position 1392, A replaced by G.
Protein change: p.Thr464=; no amino-acid change (threonine 464 retained).
Molecular consequence: synonymous variant.
Genome position (GRCh38, 1-based): chr4:143,440,189, A>G. VCF-style: chr4-143440189-A-G. GRCh37 (hg19) VCF-style: chr4-144361342-A-G.
Other names: c.1392A>G, p.Thr464= (NM_207123.3).
Identifiers: ClinVar variation 3031712 (VCV003031712.2), dbSNP rs557498645, ClinGen allele CA107590980.